The following is an entry in ClinVar:

ClinVar aggregate classification (germline): Conflicting classifications of pathogenicity. Review status: criteria provided, conflicting classifications (1 of 4 stars). 5 submissions from 5 submitters: Uncertain significance (3); Likely benign (2). Last evaluated 2025-07-08.

Conditions:
FAT1-related disorder. Also called: FAT1-related condition.
Inborn genetic diseases. Identifiers: MedGen C0950123, MeSH D030342.

Allele frequency attached by ClinVar (database versions not stated): TOPMed 0.00004; gnomAD 0.00012.
gnomAD v4.1: 46 of 1,613,872 alleles (0.0029%); highest among the groups gnomAD compares: Admixed American, 0.03%; 2 homozygotes.

Submissions (5):

PreventionGenetics, part of Exact Sciences
Classification: Uncertain significance for FAT1-related condition. Last evaluated: 2025-07-08. Review status: criteria provided, single submitter. Criteria: ACMG Guidelines, 2015. Collection method: clinical testing. Allele origin: germline.
Comment: The FAT1 c.4434C>G variant is predicted to result in the amino acid substitution p.Ile1478Met. To our knowledge, this variant has not been reported in the literature, although alternate amino acid changes at the same location (p.Ile1478Thr and p.Ile1478Val) have been reported in a patient with spinocerebellar ataxia (Nibbeling et al. 2017. PubMed ID: 29053796) and a patient with focal segmental glomerulosclerosis (Table S4 in Wang et al. 2019. PubMed ID: 31308072), respectively. This variant is reported in 1 of 249,020 alleles (0.0004%) in gnomAD. At this time, the clinical significance of this variant is uncertain due to the absence of conclusive functional and genetic evidence.

Ambry Genetics
Classification: Uncertain significance for Inborn genetic diseases. Last evaluated: 2025-03-07. Review status: criteria provided, single submitter. Criteria: Ambry Variant Classification Scheme 2023. Collection method: clinical testing. Allele origin: germline.

Blueprint Genetics
Classification: Likely benign. Last evaluated: 2024-11-25. Review status: criteria provided, single submitter. Criteria: ACMG Guidelines, 2015. Collection method: clinical testing. Allele origin: germline.

Labcorp Genetics (formerly Invitae), Labcorp
Classification: Likely benign. Last evaluated: 2024-07-22. Review status: criteria provided, single submitter. Criteria: Invitae Variant Classification Sherloc (09022015). Collection method: clinical testing. Allele origin: germline.

GeneDx
Classification: Uncertain significance. Last evaluated: 2022-06-08. Review status: criteria provided, single submitter. Criteria: GeneDx Variant Classification Process June 2021. Collection method: clinical testing. Allele origin: germline. Affected: yes.
Comment: Not observed at significant frequency in large population cohorts (gnomAD); In silico analysis supports that this missense variant does not alter protein structure/function; Has not been previously published as pathogenic or benign to our knowledge

NM_005245.4(FAT1):c.4434C>G (p.Ile1478Met)

Gene: FAT1 (FAT atypical cadherin 1; minus strand). Cytogenetic location: 4q35.2.
Variant type: single nucleotide variant.
Coding change: c.4434C>G on transcript NM_005245.4 (MANE Select); coding-DNA position 4434, C replaced by G.
Protein change: p.Ile1478Met; replaces isoleucine 1478 with methionine.
Molecular consequence: missense variant.
Genome position (GRCh38, 1-based): chr4:186,628,653, G>C on the plus strand (C>G on the coding strand, the complement: FAT1 is on the minus strand). VCF-style: chr4-186628653-G-C. GRCh37 (hg19) VCF-style: chr4-187549807-G-C.
Other names: short protein forms I1478M.
Identifiers: ClinVar variation 1803612 (VCV001803612.9), dbSNP rs376344008, ClinGen allele CA3166711.
Genomic context (GRCh38, chr4:186,628,653, plus strand): 5'-ATCTCTACTGCTCTGCAGAGTGTAGATTAGTTTGTTTTTCTCATCCTGATCCACAGCACT[G>C]ATTTGCAAAATTTCTGTTTCTGGCGCTGTATCTTCAGGAATAACAACTTCATACTTTGAT-3'
Protein context (NP_005236.2, residues 1468-1488): DTAPETEILQ[Ile1478Met]SAVDQDEKNK